The following is an entry in ClinVar:

ClinVar aggregate classification (germline): Uncertain significance (1 of 4 stars; one submission).

gnomAD v4.1: 16 of 1,614,044 alleles (0.00099%); highest among the groups gnomAD compares: Non-Finnish European, 0.0013%; no homozygotes.

Submission:

Labcorp Genetics (formerly Invitae), Labcorp
Classification: Uncertain significance. Last evaluated: 2025-09-03. Review status: criteria provided, single submitter. Criteria: Invitae Variant Classification Sherloc (09022015). Collection method: clinical testing. Allele origin: germline.
Comment: This sequence change replaces phenylalanine, which is neutral and non-polar, with leucine, which is neutral and non-polar, at codon 1030 of the POLE protein (p.Phe1030Leu). This variant is not present in population databases (gnomAD no frequency). This variant has not been reported in the literature in individuals affected with POLE-related conditions. ClinVar contains an entry for this variant (Variation ID: 666129). Invitae Evidence Modeling of protein sequence and biophysical properties (such as structural, functional, and spatial information, amino acid conservation, physicochemical variation, residue mobility, and thermodynamic stability) indicates that this missense variant is not expected to disrupt POLE protein function with a negative predictive value of 80%. In summary, the available evidence is currently insufficient to determine the role of this variant in disease. Therefore, it has been classified as a Variant of Uncertain Significance.

NM_006231.4(POLE):c.3090C>A (p.Phe1030Leu)

Gene: POLE (DNA polymerase epsilon, catalytic subunit; minus strand). Cytogenetic location: 12q24.33.
Variant type: single nucleotide variant.
Coding change: c.3090C>A on transcript NM_006231.4 (MANE Select); coding-DNA position 3090, C replaced by A.
Protein change: p.Phe1030Leu; replaces phenylalanine 1030 with leucine.
Molecular consequence: missense variant.
Genome position (GRCh38, 1-based): chr12:132,659,480, G>T on the plus strand (C>A on the coding strand, the complement: POLE is on the minus strand). VCF-style: chr12-132659480-G-T. GRCh37 (hg19) VCF-style: chr12-133236066-G-T.
Other names: short protein forms F1030L.
Identifiers: ClinVar variation 666129 (VCV000666129.8), dbSNP rs766306895, ClinGen allele CA387391761.